The following is an entry in ClinVar:

ClinVar aggregate classification (germline): Likely benign. Review status: criteria provided, multiple submitters, no conflicts (2 of 4 stars). 3 submissions from 3 submitters: Likely benign (3). Last evaluated 2025-12-29.

Conditions:
Breast-ovarian cancer, familial, susceptibility to, 4. Identifiers: Orphanet 145, MedGen C3280345, MONDO:0013669, OMIM 614291.

Allele frequency attached by ClinVar (database versions not stated): TOPMed 0.00001.
gnomAD v4.1: 1 of 1,613,422 alleles (0.000062%); highest among the groups gnomAD compares: African/African-American, 0.0013%; no homozygotes.

Submissions (3):

Center for Genomic Medicine, Rigshospitalet, Copenhagen University Hospital
Classification: Likely benign. Last evaluated: 2025-12-29. Review status: criteria provided, single submitter. Criteria: ACMG Guidelines, 2015. Collection method: clinical testing. Allele origin: germline.

Myriad Genetics, Inc.
Classification: Likely benign for Breast-ovarian cancer, familial, susceptibility to, 4. Last evaluated: 2025-02-21. Review status: criteria provided, single submitter. Criteria: Myriad Autosomal Dominant, Autosomal Recessive and X-Linked Classification Criteria (2023). Collection method: clinical testing. Allele origin: unknown.
Comment: This variant is considered likely benign. This variant is intronic and is not expected to impact mRNA splicing.

Labcorp Genetics (formerly Invitae), Labcorp
Classification: Likely benign for Breast-ovarian cancer, familial, susceptibility to, 4. Last evaluated: 2021-01-19. Review status: criteria provided, single submitter. Criteria: Invitae Variant Classification Sherloc (09022015). Collection method: clinical testing. Allele origin: germline.

NM_002878.4(RAD51D):c.346-8A>T

Genes: RAD51L3-RFFL (RAD51L3-RFFL readthrough; minus strand), RAD51D (RAD51 paralog D; minus strand). Cytogenetic location: 17q12.
Variant type: single nucleotide variant.
Coding change: c.346-8A>T on transcript NM_002878.4 (MANE Select); 8 bases into the intron before coding-DNA position 346, A replaced by T.
Molecular consequence: intron variant.
Genome position (GRCh38, 1-based): chr17:35,107,130, T>A on the plus strand (A>T on the coding strand, the complement: RAD51D is on the minus strand). VCF-style: chr17-35107130-T-A. GRCh37 (hg19) VCF-style: chr17-33434149-T-A.
Other names: c.145-649A>T (NM_133629.3); c.406-8A>T (NM_001142571.2).
Identifiers: ClinVar variation 472602 (VCV000472602.9), dbSNP rs756059587, ClinGen allele CA289996642.
Genomic context (GRCh38, chr17:35,107,130, plus strand): 5'-AGGACGTTTTGCTGCAGGCCATGGGCCACATTTGCTGCCATACAGAGACATACCTGGGGG[T>A]GGGGGCATTGGATGAACTTGACACTTCAGAGAGGGTCCAGATGGGAGCTCCCCACCAAAC-3'